The following is an entry in ClinVar:

ClinVar aggregate classification (germline): Uncertain significance. Review status: criteria provided, multiple submitters, no conflicts (2 of 4 stars). 4 submissions from 4 submitters: Uncertain significance (4). Last evaluated 2025-08-25.

Conditions:
Hereditary cancer-predisposing syndrome. Also called: Neoplastic Syndromes, Hereditary; Hereditary neoplastic syndrome; Tumor predisposition; Hereditary Cancer Syndrome. Identifiers: Orphanet 140162, MedGen C0027672, MeSH D009386, MONDO:0015356.
Hereditary pheochromocytoma and paraganglioma. Also called: Hereditary paragangliomas and pheochromocytomas; Hereditary pheochromocytoma-paraganglioma; Hereditary Paraganglioma-Pheochromocytoma Syndromes. Identifiers: Orphanet 29072, MedGen C4274332, MONDO:0017366.

Allele frequency attached by ClinVar (database versions not stated): TOPMed 0.00001.

Submissions (4):

Dasa
Classification: Uncertain significance. Last evaluated: 2025-08-25. Review status: criteria provided, single submitter. Criteria: DASA Assertion Criteria. Collection method: clinical testing. Allele origin: germline.
Comment: NM_017849.4(TMEM127):c.238C>G (p.Leu80Val) is a missense variant that results in the substitution of leucine with valine. This variant is absent from population databases. The currently available literature and clinical evidence are not sufficient to establish a definitive association between this variant and the reported condition. Therefore, this variant is classified as a variant of uncertain significance.

Quest Diagnostics Nichols Institute San Juan Capistrano
Classification: Uncertain significance. Last evaluated: 2023-06-16. Review status: criteria provided, single submitter. Criteria: Quest Diagnostics criteria. Collection method: clinical testing. Allele origin: unknown.
Comment: This variant has not been reported in the published literature. It also has not been reported in large, multi-ethnic general populations (Genome Aggregation Database). Analysis of this variant using bioinformatics tools for the prediction of the effect of amino acid changes on protein structure and function yielded predictions that this variant is benign. Based on the available information, we are unable to determine the clinical significance of this variant.

Ambry Genetics
Classification: Uncertain significance for Hereditary cancer-predisposing syndrome. Last evaluated: 2020-08-27. Review status: criteria provided, single submitter. Criteria: Ambry Variant Classification Scheme 2023. Collection method: clinical testing. Allele origin: germline.
Comment: The p.L80V variant (also known as c.238C>G), located in coding exon 1 of the TMEM127 gene, results from a C to G substitution at nucleotide position 238. The leucine at codon 80 is replaced by valine, an amino acid with highly similar properties. This amino acid position is highly conserved in available vertebrate species. In addition, the in silico prediction for this alteration is inconclusive. Since supporting evidence is limited at this time, the clinical significance of this alteration remains unclear.

Labcorp Genetics (formerly Invitae), Labcorp
Classification: Uncertain significance for Hereditary pheochromocytoma and paraganglioma. Last evaluated: 2020-02-12. Review status: criteria provided, single submitter. Criteria: Invitae Variant Classification Sherloc (09022015). Collection method: clinical testing. Allele origin: germline.
Comment: In summary, the available evidence is currently insufficient to determine the role of this variant in disease. Therefore, it has been classified as a Variant of Uncertain Significance. Algorithms developed to predict the effect of sequence changes on RNA splicing suggest that this variant may create or strengthen a splice site, but this prediction has not been confirmed by published transcriptional studies. Algorithms developed to predict the effect of missense changes on protein structure and function (SIFT, PolyPhen-2, Align-GVGD) all suggest that this variant is likely to be tolerated, but these predictions have not been confirmed by published functional studies and their clinical significance is uncertain. This variant has not been reported in the literature in individuals with TMEM127-related disease. This variant is not present in population databases (ExAC no frequency). This sequence change replaces leucine with valine at codon 80 of the TMEM127 protein (p.Leu80Val). The leucine residue is highly conserved and there is a small physicochemical difference between leucine and valine.

NM_017849.4(TMEM127):c.238C>G (p.Leu80Val)

Gene: TMEM127 (transmembrane protein 127; minus strand). Cytogenetic location: 2q11.2.
Variant type: single nucleotide variant.
Coding change: c.238C>G on transcript NM_017849.4 (MANE Select); coding-DNA position 238, C replaced by G.
Protein change: p.Leu80Val; replaces leucine 80 with valine.
Molecular consequence: missense variant.
Genome position (GRCh38, 1-based): chr2:96,265,144, G>C on the plus strand (C>G on the coding strand, the complement: TMEM127 is on the minus strand). VCF-style: chr2-96265144-G-C. GRCh37 (hg19) VCF-style: chr2-96930882-G-C.
Other names: c.238C>G, p.Leu80Val (NM_001193304.3); short protein forms L80V.
Identifiers: ClinVar variation 838916 (VCV000838916.15), dbSNP rs1436382974, ClinGen allele CA347655838.
Genomic context (GRCh38, chr2:96,265,144, plus strand): 5'-GAACACATTCTGTCCCCCACCGAGGCTTTAAGGGCCAGCGCGCAGCACCCTCACCTTTCA[G>C]CAGGTCCGGGTGCACATAGCCCAACACGTCGGAGACCCCCAGCTCCTGGCGCGAACAGGT-3'
Protein context (NP_060319.1, residues 70-90): DVLGYVHPDL[Leu80Val]KDFCMNPQTV